The following is an entry in ClinVar:

ClinVar aggregate classification (germline): Likely benign (1 of 4 stars; one submission).

Submission:

CeGaT Center for Human Genetics Tuebingen
Classification: Likely benign. Last evaluated: 2025-07-01. Review status: criteria provided, single submitter. Criteria: CeGaT Center For Human Genetics Tuebingen Variant Classification Criteria Version 2. Collection method: clinical testing. Allele origin: germline. Affected: yes. Observed: 1 variant allele.
Comment: MUC4: BP4, BP7

NM_018406.7(MUC4):c.5700T>C (p.Gly1900=)

Gene: MUC4 (mucin 4, cell surface associated). Cytogenetic location: 3q29.
Variant type: single nucleotide variant.
Coding change: c.5700T>C on transcript NM_018406.7 (MANE Select); coding-DNA position 5700, T replaced by C.
Protein change: p.Gly1900=; no amino-acid change (glycine 1900 retained).
Molecular consequence: synonymous variant. On other transcripts: intron variant (2).
Genome position (GRCh38, 1-based): chr3:195,785,880, A>G on the plus strand (T>C on the coding strand, the complement: MUC4 is on the minus strand). VCF-style: chr3-195785880-A-G. GRCh37 (hg19) VCF-style: chr3-195512751-A-G.
Other names: c.83-11575T>C (NM_138297.5); c.83-7425T>C (NM_004532.6).
Identifiers: ClinVar variation 4083785 (VCV004083785.8).